The following is an entry in ClinVar:

NM_005502.4(ABCA1):c.2591A>G (p.Tyr864Cys)

Gene: ABCA1 (ATP binding cassette subfamily A member 1; minus strand). Cytogenetic location: 9q31.1.
Variant type: single nucleotide variant.
Coding change: c.2591A>G on transcript NM_005502.4 (MANE Select); coding-DNA position 2591, A replaced by G.
Protein change: p.Tyr864Cys; replaces tyrosine 864 with cysteine.
Molecular consequence: missense variant.
Genome position (GRCh38, 1-based): chr9:104,824,530, T>C on the plus strand (A>G on the coding strand, the complement: ABCA1 is on the minus strand). VCF-style: chr9-104824530-T-C. GRCh37 (hg19) VCF-style: chr9-107586811-T-C.
Other names: short protein forms Y864C.
Identifiers: ClinVar variation 4868379 (VCV004868379.1).

ClinVar aggregate classification (germline): Uncertain significance (1 of 4 stars; one submission).

Conditions:
Cardiovascular phenotype. Identifiers: MedGen CN230736.

Submission:

Ambry Genetics
Classification: Uncertain significance for Cardiovascular phenotype. Last evaluated: 2026-04-27. Review status: criteria provided, single submitter. Criteria: Ambry Variant Classification Scheme 2023. Collection method: clinical testing. Allele origin: germline.
Comment: The p.Y864C variant (also known as c.2591A>G), located in coding exon 17 of the ABCA1 gene, results from an A to G substitution at nucleotide position 2591. The tyrosine at codon 864 is replaced by cysteine, an amino acid with highly dissimilar properties. This amino acid position is conserved. In addition, this alteration is predicted to be deleterious by in silico analysis. Based on the available evidence, the clinical significance of this variant remains unclear.